The following is an entry in ClinVar:

NM_006017.3(PROM1):c.149G>A (p.Gly50Glu)

Gene: PROM1 (prominin 1; minus strand). Cytogenetic location: 4p15.32.
Variant type: single nucleotide variant.
Coding change: c.149G>A on transcript NM_006017.3 (MANE Select); coding-DNA position 149, G replaced by A.
Protein change: p.Gly50Glu; replaces glycine 50 with glutamic acid.
Molecular consequence: missense variant.
Genome position (GRCh38, 1-based): chr4:16,075,758, C>T on the plus strand (G>A on the coding strand, the complement: PROM1 is on the minus strand). VCF-style: chr4-16075758-C-T. GRCh37 (hg19) VCF-style: chr4-16077381-C-T.
Other names: c.149G>A, p.Gly50Glu (NM_001145847.2, NM_001145848.2, NM_001145849.2 and 6 more transcripts); short protein forms G50E.
Identifiers: ClinVar variation 951018 (VCV000951018.10), dbSNP rs772579915, ClinGen allele CA2867183.

ClinVar aggregate classification (germline): Uncertain significance. Review status: criteria provided, multiple submitters, no conflicts (2 of 4 stars). 4 submissions from 4 submitters: Uncertain significance (4). Last evaluated 2025-08-18.

Conditions:
PROM1-related disorder. Also called: PROM1-related disorders; PROM1-related condition.
Inborn genetic diseases. Identifiers: MedGen C0950123, MeSH D030342.

Allele frequency attached by ClinVar (database versions not stated): gnomAD exomes 0.00001 and 0.00002; ExAC 0.00002; gnomAD 0.00006 and 0.00007; TOPMed 0.00013.
gnomAD v4.1: 29 of 1,613,802 alleles (0.0018%); highest among the groups gnomAD compares: Admixed American, 0.025%; 1 homozygote.

Submissions (4):

Labcorp Genetics (formerly Invitae), Labcorp
Classification: Uncertain significance. Last evaluated: 2025-08-18. Review status: criteria provided, single submitter. Criteria: Invitae Variant Classification Sherloc (09022015). Collection method: clinical testing. Allele origin: germline.
Comment: This sequence change replaces glycine, which is neutral and non-polar, with glutamic acid, which is acidic and polar, at codon 50 of the PROM1 protein (p.Gly50Glu). This variant is present in population databases (rs772579915, gnomAD 0.01%). This variant has not been reported in the literature in individuals affected with PROM1-related conditions. ClinVar contains an entry for this variant (Variation ID: 951018). Invitae Evidence Modeling of protein sequence and biophysical properties (such as structural, functional, and spatial information, amino acid conservation, physicochemical variation, residue mobility, and thermodynamic stability) has been performed for this missense variant. However, the output from this modeling did not meet the statistical confidence thresholds required to predict the impact of this variant on PROM1 protein function. In summary, the available evidence is currently insufficient to determine the role of this variant in disease. Therefore, it has been classified as a Variant of Uncertain Significance.

PreventionGenetics, part of Exact Sciences
Classification: Uncertain significance for PROM1-related condition. Last evaluated: 2025-07-09. Review status: criteria provided, single submitter. Criteria: ACMG Guidelines, 2015. Collection method: clinical testing. Allele origin: germline.
Comment: The PROM1 c.149G>A variant is predicted to result in the amino acid substitution p.Gly50Glu. To our knowledge, this variant has not been reported in the literature. This variant is reported in 0.011% of alleles in individuals of Latino descent in gnomAD. At this time, the clinical significance of this variant is uncertain due to the absence of conclusive functional and genetic evidence.

Ambry Genetics
Classification: Uncertain significance for Inborn genetic diseases. Last evaluated: 2024-09-10. Review status: criteria provided, single submitter. Criteria: Ambry Variant Classification Scheme 2023. Collection method: clinical testing. Allele origin: germline.

Blueprint Genetics
Classification: Uncertain significance. Last evaluated: 2023-09-19. Review status: criteria provided, single submitter. Criteria: ACMG Guidelines, 2015. Collection method: clinical testing. Allele origin: germline.